The following is an entry in ClinVar:

ClinVar aggregate classification (germline): Pathogenic (1 of 4 stars; one submission).

Conditions:
Fanconi anemia (FA). Also called: Fanconi's anemia. Identifiers: Orphanet 84, MedGen C0015625, MeSH D005199, MONDO:0019391.

Submission:

Labcorp Genetics (formerly Invitae), Labcorp
Classification: Pathogenic for Fanconi anemia. Last evaluated: 2024-09-11. Review status: criteria provided, single submitter. Criteria: Invitae Variant Classification Sherloc (09022015). Collection method: clinical testing. Allele origin: germline.
Comment: This sequence change creates a premature translational stop signal (p.Cys1091Alafs*26) in the FANCA gene. It is expected to result in an absent or disrupted protein product. Loss-of-function variants in FANCA are known to be pathogenic (PMID: 19367192). This variant is not present in population databases (gnomAD no frequency). This variant has not been reported in the literature in individuals affected with FANCA-related conditions. For these reasons, this variant has been classified as Pathogenic.

Literature cited by the submitters: PubMed 19367192.

NM_000135.4(FANCA):c.3270del (p.Cys1091fs)

Gene: FANCA (FA complementation group A; minus strand). Cytogenetic location: 16q24.3.
Variant type: Deletion.
Coding change: c.3270del on transcript NM_000135.4 (MANE Select); coding-DNA position 3270, one base deleted (C; older notation c.3270delC).
Protein change: p.Cys1091fs; shifts the reading frame from cysteine 1091.
Molecular consequence: frameshift variant.
Genome position (GRCh38, 1-based): chr16:89,748,737, G deleted on the plus strand (C on the coding strand, the reverse complement: FANCA is on the minus strand). VCF-style (leftmost placement, unchanged base first): chr16-89748736-AG-A. GRCh37 (hg19) VCF-style: chr16-89815144-AG-A.
Other names: c.3270del, p.Cys1091fs (NM_001286167.3); short protein forms C1091fs.
Identifiers: ClinVar variation 3667130 (VCV003667130.2).